The following is an entry in ClinVar:

NM_001040108.2(MLH3):c.2281T>A (p.Tyr761Asn)

Gene: MLH3 (mutL homolog 3; minus strand). Cytogenetic location: 14q24.3.
Variant type: single nucleotide variant.
Coding change: c.2281T>A on transcript NM_001040108.2 (MANE Select); coding-DNA position 2281, T replaced by A.
Protein change: p.Tyr761Asn; replaces tyrosine 761 with asparagine.
Molecular consequence: missense variant.
Genome position (GRCh38, 1-based): chr14:75,047,375, A>T on the plus strand (T>A on the coding strand, the complement: MLH3 is on the minus strand). VCF-style: chr14-75047375-A-T. GRCh37 (hg19) VCF-style: chr14-75514078-A-T.
Other names: c.2281T>A, p.Tyr761Asn (NM_014381.3); short protein forms Y761N.
Identifiers: ClinVar variation 1788952 (VCV001788952.3), dbSNP rs1315476096, ClinGen allele CA390441045.

ClinVar aggregate classification (germline): Uncertain significance (1 of 4 stars; one submission).

gnomAD v4.1: 4 of 1,614,012 alleles (0.00025%); highest among the groups gnomAD compares: South Asian, 0.0044%; no homozygotes.

Submission:

Ambry Genetics
Classification: Uncertain significance. Last evaluated: 2025-01-20. Review status: criteria provided, single submitter. Criteria: Ambry Variant Classification Scheme 2023. Collection method: clinical testing. Allele origin: germline.
Comment: The p.Y761N variant (also known as c.2281T>A), located in coding exon 1 of the MLH3 gene, results from a T to A substitution at nucleotide position 2281. The tyrosine at codon 761 is replaced by asparagine, an amino acid with dissimilar properties. This amino acid position is conserved. In addition, the in silico prediction for this alteration is inconclusive. Since supporting evidence is limited at this time, the clinical significance of this alteration remains unclear.